The following is an entry in ClinVar:

NM_001127178.3(PIGG):c.1332+5A>G

Gene: PIGG (phosphatidylinositol glycan anchor biosynthesis class G (EMM blood group); plus strand). Cytogenetic location: 4p16.3.
Variant type: single nucleotide variant.
Coding change: c.1332+5A>G on transcript NM_001127178.3 (MANE Select); 5 bases into the intron after coding-DNA position 1332, A replaced by G.
Molecular consequence: intron variant.
Genome position (GRCh38, 1-based): chr4:521,278, A>G. VCF-style: chr4-521278-A-G. GRCh37 (hg19) VCF-style: chr4-515067-A-G.
Other names: c.234+29A>G (NM_001345994.2); c.1065+5A>G (NM_001345986.2, NM_001289051.2, NM_001289053.2); c.1041+29A>G (NM_001345987.2); c.-202+51A>G (NM_001345991.2, NM_001345990.2); c.303+5A>G (NM_001345988.2); c.1308+29A>G (NM_017733.5); c.933+5A>G (NM_001289052.2); c.848-382A>G (NM_001289057.2); and 2 more.
Identifiers: ClinVar variation 1391699 (VCV001391699.6), dbSNP rs2108942421, ClinGen allele CA2573137498.

ClinVar aggregate classification (germline): Uncertain significance (1 of 4 stars; one submission).

Conditions:
Intellectual disability, autosomal recessive 53 (NEDHSCA). Also called: NEURODEVELOPMENTAL DISORDER WITH OR WITHOUT HYPOTONIA, SEIZURES, AND CEREBELLAR ATROPHY; GLYCOSYLPHOSPHATIDYLINOSITOL BIOSYNTHESIS DEFECT 13; Mental retardation, autosomal recessive 53. Identifiers: Orphanet 488635, MedGen C4310794, MONDO:0014832, OMIM 616917.

Allele frequency attached by ClinVar (database versions not stated): gnomAD exomes below 0.00001.
gnomAD v4.1: 1 of 1,598,172 alleles (0.000063%); highest among the groups gnomAD compares: Non-Finnish European, 0.000086%; no homozygotes.

Submission:

Labcorp Genetics (formerly Invitae), Labcorp
Classification: Uncertain significance for Intellectual disability, autosomal recessive 53. Last evaluated: 2022-07-19. Review status: criteria provided, single submitter. Criteria: Invitae Variant Classification Sherloc (09022015). Collection method: clinical testing. Allele origin: germline.
Comment: In summary, the available evidence is currently insufficient to determine the role of this variant in disease. Therefore, it has been classified as a Variant of Uncertain Significance. Variants that disrupt the consensus splice site are a relatively common cause of aberrant splicing (PMID: 17576681, 9536098). Algorithms developed to predict the effect of sequence changes on RNA splicing suggest that this variant may disrupt the consensus splice site. ClinVar contains an entry for this variant (Variation ID: 1391699). This variant has not been reported in the literature in individuals affected with PIGG-related conditions. This variant is not present in population databases (gnomAD no frequency). This sequence change falls in intron 7 of the PIGG gene. It does not directly change the encoded amino acid sequence of the PIGG protein. It affects a nucleotide within the consensus splice site.

Literature cited by the submitters: PubMed 17576681; PubMed 9536098.